The following is an entry in ClinVar:

ClinVar aggregate classification (germline): Uncertain significance (1 of 4 stars; one submission).

Submission:

Labcorp Genetics (formerly Invitae), Labcorp
Classification: Uncertain significance. Last evaluated: 2021-11-13. Review status: criteria provided, single submitter. Criteria: Invitae Variant Classification Sherloc (09022015). Collection method: clinical testing. Allele origin: germline.
Comment: In summary, the available evidence is currently insufficient to determine the role of this variant in disease. Therefore, it has been classified as a Variant of Uncertain Significance. Advanced modeling of protein sequence and biophysical properties (such as structural, functional, and spatial information, amino acid conservation, physicochemical variation, residue mobility, and thermodynamic stability) performed at Invitae indicates that this missense variant is not expected to disrupt ABCA4 protein function. This variant has not been reported in the literature in individuals affected with ABCA4-related conditions. This variant is not present in population databases (gnomAD no frequency). This sequence change replaces leucine, which is neutral and non-polar, with isoleucine, which is neutral and non-polar, at codon 2258 of the ABCA4 protein (p.Leu2258Ile).

NM_000350.3(ABCA4):c.6772C>A (p.Leu2258Ile)

Gene: ABCA4 (ATP binding cassette subfamily A member 4; minus strand). Cytogenetic location: 1p22.1.
Variant type: single nucleotide variant.
Coding change: c.6772C>A on transcript NM_000350.3 (MANE Select); coding-DNA position 6772, C replaced by A.
Protein change: p.Leu2258Ile; replaces leucine 2258 with isoleucine.
Molecular consequence: missense variant.
Genome position (GRCh38, 1-based): chr1:93,996,153, G>T on the plus strand (C>A on the coding strand, the complement: ABCA4 is on the minus strand). VCF-style: chr1-93996153-G-T. GRCh37 (hg19) VCF-style: chr1-94461709-G-T.
Other names: c.6550C>A, p.Leu2184Ile (NM_001425324.1); short protein forms L2258I, L2184I.
Identifiers: ClinVar variation 1351362 (VCV001351362.6), dbSNP rs757212387, ClinGen allele CA341275748.